The following is an entry in ClinVar:

NM_002335.4(LRP5):c.4463G>A (p.Ser1488Asn)

Gene: LRP5 (LDL receptor related protein 5; plus strand). Cytogenetic location: 11q13.2.
Variant type: single nucleotide variant.
Coding change: c.4463G>A on transcript NM_002335.4 (MANE Select); coding-DNA position 4463, G replaced by A.
Protein change: p.Ser1488Asn; replaces serine 1488 with asparagine.
Molecular consequence: missense variant.
Genome position (GRCh38, 1-based): chr11:68,439,891, G>A. VCF-style: chr11-68439891-G-A. GRCh37 (hg19) VCF-style: chr11-68207359-G-A.
Other names: c.2720G>A, p.Ser907Asn (NM_001291902.2); short protein forms S907N, S1488N.
Identifiers: ClinVar variation 4761922 (VCV004761922.1).

ClinVar aggregate classification (germline): Uncertain significance (1 of 4 stars; one submission).

gnomAD v4.1: 7 of 1,527,260 alleles (0.00046%); highest among the groups gnomAD compares: Non-Finnish European, 0.00062%; no homozygotes.

Submission:

Labcorp Genetics (formerly Invitae), Labcorp
Classification: Uncertain significance. Last evaluated: 2025-07-23. Review status: criteria provided, single submitter. Criteria: Invitae Variant Classification Sherloc (09022015). Collection method: clinical testing. Allele origin: germline.
Comment: This sequence change replaces serine, which is neutral and polar, with asparagine, which is neutral and polar, at codon 1488 of the LRP5 protein (p.Ser1488Asn). This variant is not present in population databases (gnomAD no frequency). This variant has not been reported in the literature in individuals affected with LRP5-related conditions. Invitae Evidence Modeling of protein sequence and biophysical properties (such as structural, functional, and spatial information, amino acid conservation, physicochemical variation, residue mobility, and thermodynamic stability) indicates that this missense variant is not expected to disrupt LRP5 protein function with a negative predictive value of 95%. In summary, the available evidence is currently insufficient to determine the role of this variant in disease. Therefore, it has been classified as a Variant of Uncertain Significance.